The following is an entry in ClinVar:

NM_001098816.3(TENM4):c.1627T>C (p.Phe543Leu)

Gene: TENM4 (teneurin transmembrane protein 4; minus strand). Cytogenetic location: 11q14.1.
Variant type: single nucleotide variant.
Coding change: c.1627T>C on transcript NM_001098816.3 (MANE Select); coding-DNA position 1627, T replaced by C.
Protein change: p.Phe543Leu; replaces phenylalanine 543 with leucine.
Molecular consequence: missense variant.
Genome position (GRCh38, 1-based): chr11:78,854,158, A>G on the plus strand (T>C on the coding strand, the complement: TENM4 is on the minus strand). VCF-style: chr11-78854158-A-G. GRCh37 (hg19) VCF-style: chr11-78565203-A-G.
Other names: short protein forms F543L.
Identifiers: ClinVar variation 4989226 (VCV004989226.1).

ClinVar aggregate classification (germline): Uncertain significance (1 of 4 stars; one submission).

Conditions:
TENM4-related disorder. Also called: TENM4-related condition.

gnomAD v4.1: 5 of 1,551,552 alleles (0.00032%); highest among the groups gnomAD compares: Non-Finnish European, 0.00044%; no homozygotes.

Submission:

PreventionGenetics, part of Exact Sciences
Classification: Uncertain significance for TENM4-related condition. Last evaluated: 2025-09-12. Review status: criteria provided, single submitter. Criteria: ACMG Guidelines, 2015. Collection method: clinical testing. Allele origin: germline.
Comment: The TENM4 c.1627T>C variant is predicted to result in the amino acid substitution p.Phe543Leu. To our knowledge, this variant has not been reported in the literature or in a large population database (gnomAD), indicating this variant is rare. At this time, the clinical significance of this variant is uncertain due to the absence of conclusive functional and genetic evidence.